The following is an entry in ClinVar:

ClinVar aggregate classification (germline): Likely benign (0 of 4 stars; one submission).

Conditions:
ATP2B4-related disorder. Also called: ATP2B4-related condition.

gnomAD v4.1: 13 of 1,613,992 alleles (0.00081%); highest among the groups gnomAD compares: Admixed American, 0.018%; no homozygotes.

Submission:

PreventionGenetics, part of Exact Sciences
Classification: Likely benign for ATP2B4-related condition. Last evaluated: 2019-04-24. Review status: no assertion criteria provided. Collection method: clinical testing. Allele origin: germline.
Comment: This variant is classified as likely benign based on ACMG/AMP sequence variant interpretation guidelines (Richards et al. 2015 PMID: 25741868, with internal and published modifications).

NM_001684.5(ATP2B4):c.3576C>T (p.Pro1192=)

Gene: ATP2B4 (ATPase plasma membrane Ca2+ transporting 4; plus strand). Cytogenetic location: 1q32.1.
Variant type: single nucleotide variant.
Coding change: c.3576C>T on transcript NM_001684.5 (MANE Select); coding-DNA position 3576, C replaced by T.
Protein change: p.Pro1192=; no amino-acid change (proline 1192 retained).
Molecular consequence: synonymous variant. On other transcripts: 3 prime UTR variant (1).
Genome position (GRCh38, 1-based): chr1:203,739,812, C>T. VCF-style: chr1-203739812-C-T. GRCh37 (hg19) VCF-style: chr1-203708940-C-T.
Other names: c.*241C>T (NM_001001396.3).
Identifiers: ClinVar variation 3058446 (VCV003058446.2), dbSNP rs371318649, ClinGen allele CA1342264.